The following is an entry in ClinVar:

NM_020822.3(KCNT1):c.86T>G (p.Phe29Cys)

Gene: KCNT1 (potassium sodium-activated channel subfamily T member 1; plus strand). Cytogenetic location: 9q34.3.
Variant type: single nucleotide variant.
Coding change: c.86T>G on transcript NM_020822.3 (MANE Select); coding-DNA position 86, T replaced by G.
Protein change: p.Phe29Cys; replaces phenylalanine 29 with cysteine.
Molecular consequence: missense variant.
Genome position (GRCh38, 1-based): chr9:135,702,344, T>G. VCF-style: chr9-135702344-T-G. GRCh37 (hg19) VCF-style: chr9-138594190-T-G.
Other names: c.86T>G, p.Phe29Cys (NM_001272003.2); short protein forms F29C.
Identifiers: ClinVar variation 2577137 (VCV002577137.4), dbSNP rs2490551217, ClinGen allele CA375492638.

ClinVar aggregate classification (germline): Uncertain significance. Review status: criteria provided, multiple submitters, no conflicts (2 of 4 stars). 2 submissions from 2 submitters: Uncertain significance (2). Last evaluated 2024-12-19.

Conditions:
Developmental and epileptic encephalopathy, 14 (DEE14). Also called: Early infantile epileptic encephalopathy 14. Identifiers: Orphanet 293181, MedGen C3554195, MONDO:0013989, OMIM 614959.
Autosomal dominant nocturnal frontal lobe epilepsy 5. Also called: CILIARY DYSKINESIA, PRIMARY, 28, WITH SITUS INVERSUS; KCNT1-Related Epilepsy; CILIARY DYSKINESIA, PRIMARY, 28, WITHOUT SITUS INVERSUS; Epilepsy, nocturnal frontal lobe, 5. Identifiers: Orphanet 98784, MedGen C3554306, MONDO:0014002, OMIM 615005.

gnomAD v4.1: 5 of 1,611,456 alleles (0.00031%); highest among the groups gnomAD compares: Non-Finnish European, 0.00042%; no homozygotes.

Submissions (2):

Women's Health and Genetics/Laboratory Corporation of America, LabCorp
Classification: Uncertain significance. Last evaluated: 2024-12-19. Review status: criteria provided, single submitter. Criteria: LabCorp Variant Classification Summary - May 2015. Collection method: clinical testing. Allele origin: germline.
Comment: Variant summary: KCNT1 c.86T>G (p.Phe29Cys) results in a non-conservative amino acid change in the encoded protein sequence. Four of five in-silico tools predict a benign effect of the variant on protein function. The variant was absent in 244842 control chromosomes. The available data on variant occurrences in the general population are insufficient to allow any conclusion about variant significance. To our knowledge, no occurrence of c.86T>G in individuals affected with Developmental And Epileptic Encephalopathy, 14 and no experimental evidence demonstrating its impact on protein function have been reported. ClinVar contains an entry for this variant (Variation ID: 2577137). Based on the evidence outlined above, the variant was classified as uncertain significance.

Labcorp Genetics (formerly Invitae), Labcorp
Classification: Uncertain significance for Autosomal dominant nocturnal frontal lobe epilepsy 5; Developmental and epileptic encephalopathy, 14. Last evaluated: 2024-06-25. Review status: criteria provided, single submitter. Criteria: Invitae Variant Classification Sherloc (09022015). Collection method: clinical testing. Allele origin: germline.
Comment: This sequence change replaces phenylalanine, which is neutral and non-polar, with cysteine, which is neutral and slightly polar, at codon 29 of the KCNT1 protein (p.Phe29Cys). This variant is not present in population databases (gnomAD no frequency). This variant has not been reported in the literature in individuals affected with KCNT1-related conditions. ClinVar contains an entry for this variant (Variation ID: 2577137). Advanced modeling of protein sequence and biophysical properties (such as structural, functional, and spatial information, amino acid conservation, physicochemical variation, residue mobility, and thermodynamic stability) performed at Invitae indicates that this missense variant is not expected to disrupt KCNT1 protein function with a negative predictive value of 95%. In summary, the available evidence is currently insufficient to determine the role of this variant in disease. Therefore, it has been classified as a Variant of Uncertain Significance.